The following is an entry in ClinVar:

NM_001371986.1(UNC80):c.2887C>T (p.Pro963Ser)

Gene: UNC80 (unc-80 subunit of NALCN channel complex; plus strand). Cytogenetic location: 2q34.
Variant type: single nucleotide variant.
Coding change: c.2887C>T on transcript NM_001371986.1 (MANE Select); coding-DNA position 2887, C replaced by T.
Protein change: p.Pro963Ser; replaces proline 963 with serine.
Molecular consequence: missense variant.
Genome position (GRCh38, 1-based): chr2:209,834,113, C>T. VCF-style: chr2-209834113-C-T. GRCh37 (hg19) VCF-style: chr2-210698837-C-T.
Other names: c.2887C>T, p.Pro963Ser (NM_032504.2); c.2872C>T, p.Pro958Ser (NM_182587.4); short protein forms P963S, P958S.
Identifiers: ClinVar variation 1996986 (VCV001996986.4), dbSNP rs2470991167, ClinGen allele CA350411669.

ClinVar aggregate classification (germline): Uncertain significance (1 of 4 stars; one submission).

Submission:

Labcorp Genetics (formerly Invitae), Labcorp
Classification: Uncertain significance. Last evaluated: 2023-12-11. Review status: criteria provided, single submitter. Criteria: Invitae Variant Classification Sherloc (09022015). Collection method: clinical testing. Allele origin: germline.
Comment: This sequence change replaces proline, which is neutral and non-polar, with serine, which is neutral and polar, at codon 963 of the UNC80 protein (p.Pro963Ser). This variant is not present in population databases (gnomAD no frequency). This variant has not been reported in the literature in individuals affected with UNC80-related conditions. ClinVar contains an entry for this variant (Variation ID: 1996986). An algorithm developed to predict the effect of missense changes on protein structure and function (PolyPhen-2) suggests that this variant is likely to be tolerated. In summary, the available evidence is currently insufficient to determine the role of this variant in disease. Therefore, it has been classified as a Variant of Uncertain Significance.